The following is an entry in ClinVar:

NM_001040108.2(MLH3):c.4126G>A (p.Glu1376Lys)

Gene: MLH3 (mutL homolog 3; minus strand). Cytogenetic location: 14q24.3.
Variant type: single nucleotide variant.
Coding change: c.4126G>A on transcript NM_001040108.2 (MANE Select); coding-DNA position 4126, G replaced by A.
Protein change: p.Glu1376Lys; replaces glutamic acid 1376 with lysine.
Molecular consequence: missense variant.
Genome position (GRCh38, 1-based): chr14:75,018,945, C>T on the plus strand (G>A on the coding strand, the complement: MLH3 is on the minus strand). VCF-style: chr14-75018945-C-T. GRCh37 (hg19) VCF-style: chr14-75485648-C-T.
Other names: c.4054G>A, p.Glu1352Lys (NM_014381.3); short protein forms E1352K, E1376K.
Identifiers: ClinVar variation 1738046 (VCV001738046.2), dbSNP rs1890084441, ClinGen allele CA390420071.

ClinVar aggregate classification (germline): Uncertain significance (1 of 4 stars; one submission).

Allele frequency attached by ClinVar (database versions not stated): TOPMed below 0.00001.

Submission:

Ambry Genetics
Classification: Uncertain significance. Last evaluated: 2024-02-04. Review status: criteria provided, single submitter. Criteria: Ambry Variant Classification Scheme 2023. Collection method: clinical testing. Allele origin: germline.
Comment: The p.E1376K variant (also known as c.4126G>A), located in coding exon 11 of the MLH3 gene, results from a G to A substitution at nucleotide position 4126. The glutamic acid at codon 1376 is replaced by lysine, an amino acid with similar properties. This amino acid position is conserved. In addition, the in silico prediction for this alteration is inconclusive. Since supporting evidence is limited at this time, the clinical significance of this alteration remains unclear.